The following is an entry in ClinVar:

NM_001374736.1(DST):c.22569+2T>C

Gene: DST (dystonin; minus strand). Cytogenetic location: 6p12.1.
Variant type: single nucleotide variant.
Coding change: c.22569+2T>C on transcript NM_001374736.1 (MANE Select); the canonical splice donor site of the intron after coding-DNA position 22569, T replaced by C.
Molecular consequence: splice donor variant. On other transcripts: intron variant (1).
Genome position (GRCh38, 1-based): chr6:56,468,980, A>G on the plus strand (T>C on the coding strand, the complement: DST is on the minus strand). VCF-style: chr6-56468980-A-G. GRCh37 (hg19) VCF-style: chr6-56333778-A-G.
Other names: c.16212+2T>C (NM_001144769.5); c.22569+2T>C (NM_001374722.1); c.22596+2T>C (NM_001374734.1); c.15798+2T>C (NM_001144770.2); c.15351+2T>C (NM_001374730.1); c.15660+903T>C (NM_001386100.1); c.15678+2T>C (NM_183380.4); c.21609+2T>C (NM_001374729.1); and 1 more.
Identifiers: ClinVar variation 2116391 (VCV002116391.4), dbSNP rs2533409853, ClinGen allele CA364506565.

ClinVar aggregate classification (germline): Likely pathogenic (1 of 4 stars; one submission).

Conditions:
Hereditary sensory and autonomic neuropathy type 6. Also called: HSAN VI; Neuropathy, hereditary sensory and autonomic, type VI. Identifiers: Orphanet 314381, MedGen C3539003, MONDO:0013839, OMIM 614653.
Epidermolysis bullosa simplex 3, localized or generalized intermediate, with BP230 deficiency (EBS3). Also called: Epidermolysis bullosa simplex, autosomal recessive 2; Epidermolysis bullosa simplex due to BP230 deficiency. Identifiers: Orphanet 412181, MedGen C3809470, MONDO:0014180, OMIM 615425.

Submission:

Labcorp Genetics (formerly Invitae), Labcorp
Classification: Likely pathogenic for Epidermolysis bullosa simplex 3, localized or generalized intermediate, with BP230 deficiency; Hereditary sensory and autonomic neuropathy type 6. Last evaluated: 2022-03-24. Review status: criteria provided, single submitter. Criteria: Invitae Variant Classification Sherloc (09022015). Collection method: clinical testing. Allele origin: germline.
Comment: The DST gene has multiple clinically relevant transcripts. This variant occurs in alternate transcript NM_015548.4, and corresponds to NM_001723.5:c.*146537T>C in the primary transcript. In summary, the currently available evidence indicates that the variant is pathogenic, but additional data are needed to prove that conclusively. Therefore, this variant has been classified as Likely Pathogenic. Experimental studies and prediction algorithms are not available or were not evaluated, and the effect of this variant on mRNA splicing is currently unknown. This variant has not been reported in the literature in individuals affected with DST-related conditions. This variant is not present in population databases (gnomAD no frequency). This sequence change affects a donor splice site in intron 79 of the DST gene. It is expected to disrupt RNA splicing. Variants that disrupt the donor or acceptor splice site typically lead to a loss of protein function (PMID: 16199547), and loss-of-function variants in DST are known to be pathogenic (PMID: 22522446, 25059916, 30371979).

Literature cited by the submitters: PubMed 16199547; PubMed 22522446; PubMed 25059916; PubMed 30371979.